The following is an entry in ClinVar:

NM_006231.4(POLE):c.5153G>A (p.Ser1718Asn)

Gene: POLE (DNA polymerase epsilon, catalytic subunit; minus strand). Cytogenetic location: 12q24.33.
Variant type: single nucleotide variant.
Coding change: c.5153G>A on transcript NM_006231.4 (MANE Select); coding-DNA position 5153, G replaced by A.
Protein change: p.Ser1718Asn; replaces serine 1718 with asparagine.
Molecular consequence: missense variant.
Genome position (GRCh38, 1-based): chr12:132,642,197, C>T on the plus strand (G>A on the coding strand, the complement: POLE is on the minus strand). VCF-style: chr12-132642197-C-T. GRCh37 (hg19) VCF-style: chr12-133218783-C-T.
Other names: short protein forms S1718N.
Identifiers: ClinVar variation 540640 (VCV000540640.8), dbSNP rs1555222434, ClinGen allele CA387376683.
Genomic context (GRCh38, chr12:132,642,197, plus strand): 5'-CCAGCCAGGTCTCATGGGCCTCGTCCTCCCGCCCACTTACCTGTGGAGTAACAGCCTGAA[C>T]TGTTGATCTCAACAGTGGCTTGGTCATCGAACTCCATGACAAGACAGTTGTCATCAGCCT-3'
Protein context (NP_006222.2, residues 1708-1728): FDDQATVEIN[Ser1718Asn]SGCYSTVCVE

ClinVar aggregate classification (germline): Uncertain significance (1 of 4 stars; one submission).

Submission:

Labcorp Genetics (formerly Invitae), Labcorp
Classification: Uncertain significance. Last evaluated: 2026-01-21. Review status: criteria provided, single submitter. Criteria: Invitae Variant Classification Sherloc (09022015). Collection method: clinical testing. Allele origin: germline.
Comment: This sequence change replaces serine, which is neutral and polar, with asparagine, which is neutral and polar, at codon 1718 of the POLE protein (p.Ser1718Asn). This variant is not present in population databases (gnomAD no frequency). This variant has not been reported in the literature in individuals affected with POLE-related conditions. ClinVar contains an entry for this variant (Variation ID: 540640). Invitae Evidence Modeling of protein sequence and biophysical properties (such as structural, functional, and spatial information, amino acid conservation, physicochemical variation, residue mobility, and thermodynamic stability) indicates that this missense variant is not expected to disrupt POLE protein function with a negative predictive value of 80%. In summary, the available evidence is currently insufficient to determine the role of this variant in disease. Therefore, it has been classified as a Variant of Uncertain Significance.